The following is an entry in ClinVar:

NM_004380.3(CREBBP):c.5073G>A (p.Met1691Ile)

Gene: CREBBP (CREB binding lysine acetyltransferase; minus strand). Cytogenetic location: 16p13.3.
Variant type: single nucleotide variant.
Coding change: c.5073G>A on transcript NM_004380.3 (MANE Select); coding-DNA position 5073, G replaced by A.
Protein change: p.Met1691Ile; replaces methionine 1691 with isoleucine.
Molecular consequence: missense variant.
Genome position (GRCh38, 1-based): chr16:3,731,291, C>T on the plus strand (G>A on the coding strand, the complement: CREBBP is on the minus strand). VCF-style: chr16-3731291-C-T. GRCh37 (hg19) VCF-style: chr16-3781292-C-T.
Other names: c.4959G>A, p.Met1653Ile (NM_001079846.1); short protein forms M1653I, M1691I.
Identifiers: ClinVar variation 3389870 (VCV003389870.14).

ClinVar aggregate classification (germline): Uncertain significance (1 of 4 stars; one submission).

Submission:

CeGaT Center for Human Genetics Tuebingen
Classification: Uncertain significance. Last evaluated: 2024-10-01. Review status: criteria provided, single submitter. Criteria: CeGaT Center For Human Genetics Tuebingen Variant Classification Criteria Version 2. Collection method: clinical testing. Allele origin: germline. Affected: yes. Observed: 1 variant allele.
Comment: CREBBP: PM2, PP3